The following is an entry in ClinVar:

ClinVar aggregate classification (germline): Uncertain significance (1 of 4 stars; one submission).

Conditions:
Hereditary cancer-predisposing syndrome. Also called: Neoplastic Syndromes, Hereditary; Hereditary Cancer Syndrome; Hereditary neoplastic syndrome; Tumor predisposition. Identifiers: Orphanet 140162, MedGen C0027672, MeSH D009386, MONDO:0015356.

Submission:

Ambry Genetics
Classification: Uncertain significance for Hereditary cancer-predisposing syndrome. Last evaluated: 2023-06-01. Review status: criteria provided, single submitter. Criteria: Ambry Variant Classification Scheme 2023. Collection method: clinical testing. Allele origin: germline.
Comment: The p.L68V variant (also known as c.202C>G), located in coding exon 2 of the PRKAR1A gene, results from a C to G substitution at nucleotide position 202. The leucine at codon 68 is replaced by valine, an amino acid with highly similar properties. This amino acid position is conserved. In addition, this alteration is predicted to be tolerated by in silico analysis. Since supporting evidence is limited at this time, the clinical significance of this alteration remains unclear.

NM_002734.5(PRKAR1A):c.202C>G (p.Leu68Val)

Gene: PRKAR1A (protein kinase cAMP-dependent type I regulatory subunit alpha; plus strand). Cytogenetic location: 17q24.2.
Variant type: single nucleotide variant.
Coding change: c.202C>G on transcript NM_002734.5 (MANE Select); coding-DNA position 202, C replaced by G.
Protein change: p.Leu68Val; replaces leucine 68 with valine.
Molecular consequence: missense variant.
Genome position (GRCh38, 1-based): chr17:68,522,780, C>G. VCF-style: chr17-68522780-C-G. GRCh37 (hg19) VCF-style: chr17-66518921-C-G.
Other names: c.202C>G, p.Leu68Val (NM_001276289.2, NM_001276290.1, NM_001278433.2 and 4 more transcripts); short protein forms L68V.
Identifiers: ClinVar variation 2562691 (VCV002562691.2), dbSNP rs1274217678, ClinGen allele CA400752211.
Genomic context (GRCh38, chr17:68,522,780, plus strand): 5'-AAGGATCTCATTTTGCAAACTCGTAATTTCTTTCAGGAGGAGGCAAAACAGATTCAGAAT[C>G]TGCAGAAAGCAGGCACTCGTACAGACTCAAGGGAGGATGAGATTTCTCCTCCTCCACCCA-3'
Protein context (NP_002725.1, residues 58-78): EKEEAKQIQN[Leu68Val]QKAGTRTDSR